The following is an entry in ClinVar:

NM_020320.5(RARS2):c.716C>G (p.Ser239Ter)

Gene: RARS2 (arginyl-tRNA synthetase 2, mitochondrial; minus strand). Cytogenetic location: 6q15.
Variant type: single nucleotide variant.
Coding change: c.716C>G on transcript NM_020320.5 (MANE Select); coding-DNA position 716, C replaced by G.
Protein change: p.Ser239Ter; replaces serine 239 with a stop codon.
Molecular consequence: nonsense. On other transcripts: non-coding transcript variant (23).
Genome position (GRCh38, 1-based): chr6:87,530,839, G>C on the plus strand (C>G on the coding strand, the complement: RARS2 is on the minus strand). VCF-style: chr6-87530839-G-C. GRCh37 (hg19) VCF-style: chr6-88240557-G-C.
Other names: c.191C>G, p.Ser64Ter (NM_001318785.2, NM_001350506.2, NM_001350507.2 and 4 more transcripts); c.716C>G, p.Ser239Ter (NM_001350505.2); short protein forms S239*, S64*.
Identifiers: ClinVar variation 1362522 (VCV001362522.7), dbSNP rs750319167, ClinGen allele CA364929419.
Genomic context (GRCh38, chr6:87,530,839, plus strand): 5'-AATACCTTGTAAACCCGAATGTACTCTTCAATGCTCAAGTCCCGAAATTTTTGCCACAGT[G>C]AAAGTGCTTGCACATCGCCCAGTTCCAATCGTTGGAAGAACTCCTGTGCTGCTTTTGCTA-3'

ClinVar aggregate classification (germline): Pathogenic/Likely pathogenic. Review status: criteria provided, multiple submitters, no conflicts (2 of 4 stars). 2 submissions from 2 submitters: Pathogenic (1); Likely pathogenic (1). Last evaluated 2023-11-17.

Conditions:
Pontocerebellar hypoplasia type 6 (PCH6). Identifiers: Orphanet 166073, MedGen C1969084, MONDO:0012683, OMIM 611523.

gnomAD v4.1: 5 of 1,614,170 alleles (0.00031%); highest among the groups gnomAD compares: Admixed American, 0.0017%; no homozygotes.

Submissions (2):

Labcorp Genetics (formerly Invitae), Labcorp
Classification: Pathogenic. Last evaluated: 2023-11-17. Review status: criteria provided, single submitter. Criteria: Invitae Variant Classification Sherloc (09022015). Collection method: clinical testing. Allele origin: germline.
Comment: This sequence change creates a premature translational stop signal (p.Ser239*) in the RARS2 gene. It is expected to result in an absent or disrupted protein product. Loss-of-function variants in RARS2 are known to be pathogenic (PMID: 17847012, 22569581, 26083569). This variant is present in population databases (no rsID available, gnomAD 0.003%). This variant has not been reported in the literature in individuals affected with RARS2-related conditions. ClinVar contains an entry for this variant (Variation ID: 1362522). For these reasons, this variant has been classified as Pathogenic.

Baylor Genetics
Classification: Likely pathogenic for Pontocerebellar hypoplasia type 6. Last evaluated: 2023-07-25. Review status: criteria provided, single submitter. Criteria: ACMG Guidelines, 2015. Collection method: clinical testing. Allele origin: unknown.

Literature cited by the submitters: PubMed 17847012 (cited by Labcorp Genetics (formerly Invitae), Labcorp); PubMed 22569581 (cited by Labcorp Genetics (formerly Invitae), Labcorp); PubMed 26083569 (cited by Labcorp Genetics (formerly Invitae), Labcorp).